The following is an entry in ClinVar:

ClinVar aggregate classification (germline): Uncertain significance (1 of 4 stars; one submission).

Conditions:
Multiple endocrine neoplasia, type 1 (MEN1). Also called: MEA I; MEN I; WERMER SYNDROME; Endocrine adenomatosis multiple; MEN 1. Identifiers: Orphanet 652, MedGen C0025267, MeSH D018761, MONDO:0007540, OMIM 131100.

Submission:

Labcorp Genetics (formerly Invitae), Labcorp
Classification: Uncertain significance for Multiple endocrine neoplasia, type 1. Last evaluated: 2023-12-20. Review status: criteria provided, single submitter. Criteria: Invitae Variant Classification Sherloc (09022015). Collection method: clinical testing. Allele origin: germline.
Comment: This sequence change replaces aspartic acid, which is acidic and polar, with asparagine, which is neutral and polar, at codon 315 of the MEN1 protein (p.Asp315Asn). This variant is not present in population databases (gnomAD no frequency). This variant has not been reported in the literature in individuals affected with MEN1-related conditions. Advanced modeling of protein sequence and biophysical properties (such as structural, functional, and spatial information, amino acid conservation, physicochemical variation, residue mobility, and thermodynamic stability) has been performed at Invitae for this missense variant, however the output from this modeling did not meet the statistical confidence thresholds required to predict the impact of this variant on MEN1 protein function. In summary, the available evidence is currently insufficient to determine the role of this variant in disease. Therefore, it has been classified as a Variant of Uncertain Significance.

NM_001370259.2(MEN1):c.943G>A (p.Asp315Asn)

Gene: MEN1 (menin 1; minus strand). Cytogenetic location: 11q13.1.
Variant type: single nucleotide variant.
Coding change: c.943G>A on transcript NM_001370259.2 (MANE Select); coding-DNA position 943, G replaced by A.
Protein change: p.Asp315Asn; replaces aspartic acid 315 with asparagine.
Molecular consequence: missense variant. On other transcripts: non-coding transcript variant (4).
Genome position (GRCh38, 1-based): chr11:64,806,338, C>T on the plus strand (G>A on the coding strand, the complement: MEN1 is on the minus strand). VCF-style: chr11-64806338-C-T. GRCh37 (hg19) VCF-style: chr11-64573810-C-T.
Other names: c.943G>A, p.Asp315Asn (NM_001407147.1, NM_001407144.1, NM_001407146.1 and 7 more transcripts); c.838G>A, p.Asp280Asn (NM_001407148.1, NM_001407149.1, NM_001407151.1 and 2 more transcripts); c.958G>A, p.Asp320Asn (NM_001407150.1, NM_001407145.1, NM_000244.4 and 5 more transcripts); short protein forms D320N, D280N, D315N.
Identifiers: ClinVar variation 2704435 (VCV002704435.3), dbSNP rs747851909, ClinGen allele CA381183401.